The following is an entry in ClinVar:

NM_006734.4(HIVEP2):c.5739T>A (p.Asp1913Glu)

Gene: HIVEP2 (HIVEP zinc finger 2; minus strand). Cytogenetic location: 6q24.2.
Variant type: single nucleotide variant.
Coding change: c.5739T>A on transcript NM_006734.4 (MANE Select); coding-DNA position 5739, T replaced by A.
Protein change: p.Asp1913Glu; replaces aspartic acid 1913 with glutamic acid.
Molecular consequence: missense variant.
Genome position (GRCh38, 1-based): chr6:142,760,549, A>T on the plus strand (T>A on the coding strand, the complement: HIVEP2 is on the minus strand). VCF-style: chr6-142760549-A-T. GRCh37 (hg19) VCF-style: chr6-143081686-A-T.
Other names: short protein forms D1913E.
Identifiers: ClinVar variation 2582001 (VCV002582001.1), dbSNP rs748900921, ClinGen allele CA365888853.

ClinVar aggregate classification (germline): Uncertain significance (1 of 4 stars; one submission).

gnomAD v4.1: 1 of 1,613,608 alleles (0.000062%); highest among the groups gnomAD compares: Non-Finnish European, 0.000085%; no homozygotes.

Submission:

GeneDx
Classification: Uncertain significance. Last evaluated: 2023-03-27. Review status: criteria provided, single submitter. Criteria: GeneDx Variant Classification Process June 2021. Collection method: clinical testing. Allele origin: germline. Affected: yes.
Comment: Not observed at significant frequency in large population cohorts (gnomAD); In silico analysis supports that this missense variant does not alter protein structure/function; Has not been previously published as pathogenic or benign to our knowledge